The following is an entry in ClinVar:

ClinVar aggregate classification (germline): Pathogenic/Likely pathogenic. Review status: criteria provided, multiple submitters, no conflicts (2 of 4 stars). 6 submissions from 6 submitters: Pathogenic (1); Likely pathogenic (3). 2 of the submissions do not count toward it. Last evaluated 2025-12-01.

Conditions:
Long QT syndrome 1 (LQT1). Identifiers: Orphanet 101016, Orphanet 768, MedGen C4551647, MONDO:0100316, OMIM 192500, MONDO:0008646.
Cardiovascular phenotype. Identifiers: MedGen CN230736.
Long QT syndrome (LQTS). Identifiers: MedGen C0023976, MeSH D008133, MONDO:0002442. Disease mechanism: loss of function. Inheritance: Various modes of inheritance.

gnomAD v4.1: 2 of 1,597,006 alleles (0.00013%); highest among the groups gnomAD compares: Non-Finnish European, 0.00017%; no homozygotes.

Submissions (6):

Ambry Genetics
Classification: Likely pathogenic for Cardiovascular phenotype. Last evaluated: 2025-12-01. Review status: criteria provided, single submitter. Criteria: Ambry Variant Classification Scheme 2023. Collection method: clinical testing. Allele origin: germline.
Comment: The p.G119R variant (also known as c.355G>C), located in coding exon 1 of the KCNQ1 gene, results from a G to C substitution at nucleotide position 355. The glycine at codon 119 is replaced by arginine, an amino acid with dissimilar properties. This variant was reported in individual(s) with features consistent with long QT syndrome (Kirchhof P et al. J. Cardiovasc. Electrophysiol. 2003;14:1027-33; Westphal DS et al. Mol Genet Genomic Med, 2020 Sep;8:e1300; Walsh R et al. Genet Med, 2021 Jan;23:47-58; Rinn&eacute; S et al. Int J Mol Sci, 2023 Jan;24; Kemezyte A et al. BMC Cardiovasc Disord, 2025 Sep;25:670; external communication). In assays testing KCNQ1 function, this variant showed a functionally abnormal result (Vanoye CG et al. Circ Genom Precis Med. 2018 Nov;11(11):e002345; Rinn&eacute; S et al. Int J Mol Sci, 2023 Jan;24). This amino acid position is highly conserved in available vertebrate species. In addition, this alteration is predicted to be deleterious by in silico analysis. This variant is considered to be rare based on population cohorts in the Genome Aggregation Database (gnomAD). Based on the majority of available evidence to date, this variant is likely to be pathogenic.

Labcorp Genetics (formerly Invitae), Labcorp
Classification: Likely pathogenic for Long QT syndrome. Last evaluated: 2024-04-07. Review status: criteria provided, single submitter. Criteria: Invitae Variant Classification Sherloc (09022015). Collection method: clinical testing. Allele origin: germline.
Comment: This sequence change replaces glycine, which is neutral and non-polar, with arginine, which is basic and polar, at codon 119 of the KCNQ1 protein (p.Gly119Arg). This variant is not present in population databases (gnomAD no frequency). This missense change has been observed in individuals with long QT syndrome (PMID: 26669661, 31737537, 32383558, 36674868; Invitae). ClinVar contains an entry for this variant (Variation ID: 560702). Advanced modeling of protein sequence and biophysical properties (such as structural, functional, and spatial information, amino acid conservation, physicochemical variation, residue mobility, and thermodynamic stability) performed at Invitae indicates that this missense variant is expected to disrupt KCNQ1 protein function with a positive predictive value of 95%. Experimental studies have shown that this missense change affects KCNQ1 function (PMID: 30571187, 36674868). In summary, the currently available evidence indicates that the variant is pathogenic, but additional data are needed to prove that conclusively. Therefore, this variant has been classified as Likely Pathogenic.

CeGaT Center for Human Genetics Tuebingen
Classification: Likely pathogenic. Last evaluated: 2024-02-01. Review status: criteria provided, single submitter. Criteria: CeGaT Center For Human Genetics Tuebingen Variant Classification Criteria Version 2. Collection method: clinical testing. Allele origin: germline. Affected: yes. Observed: 1 variant allele.
Comment: KCNQ1: PM1, PM2, PP2, PP3, PS3:Supporting

MVZ Martinsried, Medicover Genetics
Classification: Pathogenic for Long QT syndrome 1. Last evaluated: 2018-04-08. Review status: criteria provided, single submitter. Criteria: ACMG Guidelines, 2015. Collection method: clinical testing. Allele origin: unknown. Affected: yes.

Institute of Human Genetics, University of Leipzig Medical Center
Classification: Uncertain significance for Long QT syndrome 1. Last evaluated: 2026-05-28. Review status: flagged submission. Criteria: ACMG Guidelines, 2015. Collection method: clinical testing. Allele origin: unknown. Inheritance: Autosomal dominant inheritance. Affected: yes. Not counted in ClinVar's aggregate classification.
Comment: Criteria applied: PS3_SUP,PS4_SUP,PM2_SUP,PP3
ClinVar note: Reason: Outlier claim with insufficient supporting evidence

Bioscientia Institut fuer Medizinische Diagnostik GmbH, Sonic Healthcare
Classification: Uncertain significance for Long QT syndrome 1. Last evaluated: 2020-06-16. Review status: flagged submission. Collection method: clinical testing. Allele origin: germline. Affected: yes. Not counted in ClinVar's aggregate classification.
ClinVar note: Reason: Older claim that does not account for recent evidence

Literature cited by the submitters: PubMed 14521653 (cited by Ambry Genetics); PubMed 30571187 (cited by Ambry Genetics and Labcorp Genetics (formerly Invitae), Labcorp); PubMed 32383558 (cited by Ambry Genetics and Labcorp Genetics (formerly Invitae), Labcorp); PubMed 32893267 (cited by Ambry Genetics); PubMed 36674868 (cited by Ambry Genetics and Labcorp Genetics (formerly Invitae), Labcorp); PubMed 41013213 (cited by Ambry Genetics); PubMed 26669661 (cited by Labcorp Genetics (formerly Invitae), Labcorp); PubMed 31737537 (cited by Labcorp Genetics (formerly Invitae), Labcorp).

NM_000218.3(KCNQ1):c.355G>C (p.Gly119Arg)

Gene: KCNQ1 (potassium voltage-gated channel subfamily Q member 1; plus strand). Cytogenetic location: 11p15.5.
Variant type: single nucleotide variant.
Coding change: c.355G>C on transcript NM_000218.3 (MANE Select); coding-DNA position 355, G replaced by C.
Protein change: p.Gly119Arg; replaces glycine 119 with arginine.
Molecular consequence: missense variant.
Genome position (GRCh38, 1-based): chr11:2,445,453, G>C. VCF-style: chr11-2445453-G-C. GRCh37 (hg19) VCF-style: chr11-2466683-G-C.
Other names: short protein forms G119R.
Identifiers: ClinVar variation 560702 (VCV000560702.35), dbSNP rs1325525794, ClinGen allele CA379117657.